The following is an entry in ClinVar:

ClinVar aggregate classification (germline): Uncertain significance (1 of 4 stars; one submission).

Submission:

Labcorp Genetics (formerly Invitae), Labcorp
Classification: Uncertain significance. Last evaluated: 2024-11-19. Review status: criteria provided, single submitter. Criteria: Invitae Variant Classification Sherloc (09022015). Collection method: clinical testing. Allele origin: germline.
Comment: This sequence change creates a premature translational stop signal (p.His186Profs*47) in the APOA1 gene. While this is not anticipated to result in nonsense mediated decay, it is expected to disrupt the last 82 amino acid(s) of the APOA1 protein. This variant is present in population databases (no rsID available, gnomAD 0.003%). This premature translational stop signal has been observed in individual(s) with Apolipoprotein A1 deficiency (PMID: 29396262). This variant is also known as c.534_556insCCATGTGGACGCGCTGCGCACGC (p.His186ProfsX46). Experimental studies and prediction algorithms are not available or were not evaluated, and the functional significance of this variant is currently unknown. This variant disrupts a region of the APOA1 protein in which other variant(s) (p.Leu227Serfs*28) have been observed in individuals with APOA1-related conditions (PMID: 1898657). This suggests that this is a clinically significant region of the protein, and that variants that disrupt it are likely to be disease-causing. In summary, the available evidence is currently insufficient to determine the role of this variant in disease. Therefore, it has been classified as a Variant of Uncertain Significance.

Literature cited by the submitters: PubMed 29396262; PubMed 1898657.

NM_000039.3(APOA1):c.534_556dup (p.His186fs)

Gene: APOA1 (apolipoprotein A1; minus strand). Cytogenetic location: 11q23.3.
Variant type: Duplication.
Coding change: c.534_556dup on transcript NM_000039.3 (MANE Select); coding-DNA positions 534 to 556, 23 bases duplicated (CCATGTGGACGCGCTGCGCACGC).
Protein change: p.His186fs; shifts the reading frame from histidine 186.
Molecular consequence: frameshift variant.
Genome position (GRCh38, 1-based): chr11:116,836,056-116,836,078, GCGTGCGCAGCGCGTCCACATGG duplicated on the plus strand (CCATGTGGACGCGCTGCGCACGC on the coding strand, the reverse complement: APOA1 is on the minus strand); duplicating any 23 consecutive bases within chr11:116,836,056-116,836,081 gives the same sequence; the c. name uses the placement nearest the transcript's 3' end. VCF-style (leftmost placement, unchanged base first): chr11-116836055-T-TGCGTGCGCAGCGCGTCCACATGG. GRCh37 (hg19) VCF-style: chr11-116706771-T-TGCGTGCGCAGCGCGTCCACATGG.
Other names: c.534_556dup, p.His186fs (NM_001318017.2, NM_001318018.2, NM_001425090.1); c.207_229dup, p.His77fs (NM_001318021.2, NM_001425091.1, NM_001425092.1); c.489_511dup, p.His171fs (NM_001425093.1); short protein forms H186fs, H77fs, H171fs.
Identifiers: ClinVar variation 3684699 (VCV003684699.2).